The following is an entry in ClinVar:

NM_130384.3(ATRIP):c.517G>A (p.Ala173Thr)

Genes: ATRIP (ATR interacting protein; plus strand), ATRIP-TREX1 (ATRIP-TREX1 readthrough; plus strand). Cytogenetic location: 3p21.31.
Variant type: single nucleotide variant.
Coding change: c.517G>A on transcript NM_130384.3 (MANE Select); coding-DNA position 517, G replaced by A.
Protein change: p.Ala173Thr; replaces alanine 173 with threonine.
Molecular consequence: missense variant. On other transcripts: non-coding transcript variant (1).
Genome position (GRCh38, 1-based): chr3:48,451,864, G>A. VCF-style: chr3-48451864-G-A. GRCh37 (hg19) VCF-style: chr3-48493270-G-A.
Other names: c.136G>A, p.Ala46Thr (NM_001271022.2); c.238G>A, p.Ala80Thr (NM_001271023.2); c.517G>A, p.Ala173Thr (NM_032166.4); short protein forms A46T, A173T, A80T.
Identifiers: ClinVar variation 4826284 (VCV004826284.1).
Genomic context (GRCh38, chr3:48,451,864, plus strand): 5'-GAATCCGTTCTAGAGGAACAGAGAAGATCACATTTTCTTCTTGAGCAAGAGAAAACCCAA[G>A]CACTCAGTGACAAGGAAAAGGAATTCTCCAAAAAGGTGACCCAGAGCATTTGTTTTGCAC-3'
Protein context (NP_569055.1, residues 163-183): HFLLEQEKTQ[Ala173Thr]LSDKEKEFSK

ClinVar aggregate classification (germline): Uncertain significance (1 of 4 stars; one submission).

Submission:

Ambry Genetics
Classification: Uncertain significance. Last evaluated: 2026-03-12. Review status: criteria provided, single submitter. Criteria: Ambry Variant Classification Scheme 2023. Collection method: clinical testing. Allele origin: germline.
Comment: The p.A173T variant (also known as c.517G>A), located in coding exon 3 of the ATRIP gene, results from a G to A substitution at nucleotide position 517. The alanine at codon 173 is replaced by threonine, an amino acid with similar properties. This amino acid position is conserved. In addition, this alteration is predicted to be tolerated by in silico analysis. Based on the available evidence, the clinical significance of this variant remains unclear.